The following is an entry in ClinVar:

NM_017802.4(DNAAF5):c.2450del (p.Ser817fs)

Gene: DNAAF5 (dynein axonemal assembly factor 5; plus strand). Cytogenetic location: 7p22.3.
Variant type: Deletion.
Coding change: c.2450del on transcript NM_017802.4 (MANE Select); coding-DNA position 2450, one base deleted (G; older notation c.2450delG).
Protein change: p.Ser817fs; shifts the reading frame from serine 817.
Molecular consequence: frameshift variant. On other transcripts: non-coding transcript variant (1).
Genome position (GRCh38, 1-based): chr7:785,535, G deleted. VCF-style (leftmost placement, unchanged base first): chr7-785534-AG-A. GRCh37 (hg19) VCF-style: chr7-825171-AG-A.
Other names: short protein forms S817fs.
Identifiers: ClinVar variation 2635405 (VCV002635405.3), dbSNP rs2484204512, ClinGen allele CA2695198388.

ClinVar aggregate classification (germline): Pathogenic/Likely pathogenic. Review status: criteria provided, multiple submitters, no conflicts (2 of 4 stars). 3 submissions from 3 submitters: Pathogenic (1); Likely pathogenic (2). Last evaluated 2025-10-08.

Conditions:
Primary ciliary dyskinesia 18. Also called: CILIARY DYSKINESIA, PRIMARY, 18, WITH OR WITHOUT SITUS INVERSUS. Identifiers: Orphanet 244, MedGen C3543825, MONDO:0013940, OMIM 614874.
DNAAF5-related disorder. Also called: DNAAF5-related condition.

Submissions (3):

3billion
Classification: Likely pathogenic for Primary ciliary dyskinesia 18. Last evaluated: 2025-10-08. Review status: criteria provided, single submitter. Criteria: ACMG Guidelines, 2015. Collection method: clinical testing. Allele origin: germline. Affected: yes.
Comment: The variant is not observed in the gnomAD v4.1.0 dataset. Predicted Consequence/Location: Frameshift: predicted to result in a loss or disruption of normal protein function through protein truncation. The predicted truncated protein may be shortened by less than 10%. The variant has been reported at least twice as pathogenic without evidence for the classification (ClinVar ID: VCV002635405 /PMID: 32367404). Therefore, this variant is classified as Likely pathogenic according to the recommendation of ACMG/AMP guideline.

Genomic Medicine Center of Excellence, King Faisal Specialist Hospital and Research Centre
Classification: Likely pathogenic for Primary ciliary dyskinesia 18. Last evaluated: 2024-12-18. Review status: criteria provided, single submitter. Criteria: ACMG Guidelines, 2015. Collection method: clinical testing. Allele origin: germline.

PreventionGenetics, part of Exact Sciences
Classification: Pathogenic for DNAAF5-related condition. Last evaluated: 2022-12-01. Review status: criteria provided, single submitter. Criteria: ACMG Guidelines, 2015. Collection method: clinical testing. Allele origin: germline.
Comment: The DNAAF5 c.2450delG variant is predicted to result in a frameshift and premature protein termination (p.Ser817Thrfs*9). This variant was reported in an individual with primary ciliary dyskinesia (Shamseldin et al 2020. PubMed ID: 32367404). This variant has not been reported in a large population database, indicating this variant is rare. Frameshift variants in DNAAF5 are expected to be pathogenic. This variant is interpreted as pathogenic.

Literature cited by the submitters: PubMed 32367404 (cited by 3billion).